The following is an entry in ClinVar:

ClinVar aggregate classification (germline): Uncertain significance (1 of 4 stars; one submission).

Conditions:
Eichsfeld type congenital muscular dystrophy (CMYO3). Also called: MYOPATHY, SEPN1-RELATED; SELENON-related myopathy; Congenital myopathy 3 with rigid spine; Rigid spine muscular dystrophy 1. Identifiers: MedGen C0410180, MONDO:0100100, OMIM 602771.

Allele frequency attached by ClinVar (database versions not stated): gnomAD exomes below 0.00001.
gnomAD v4.1: 1 of 1,613,862 alleles (0.000062%); highest among the groups gnomAD compares: Non-Finnish European, 0.000085%; no homozygotes.

Submission:

Labcorp Genetics (formerly Invitae), Labcorp
Classification: Uncertain significance for Eichsfeld type congenital muscular dystrophy. Last evaluated: 2021-11-25. Review status: criteria provided, single submitter. Criteria: Invitae Variant Classification Sherloc (09022015). Collection method: clinical testing. Allele origin: germline.
Comment: This sequence change replaces proline, which is neutral and non-polar, with leucine, which is neutral and non-polar, at codon 530 of the SELENON protein (p.Pro530Leu). This variant is present in population databases (no rsID available, gnomAD 0.0009%). This variant has not been reported in the literature in individuals affected with SELENON-related conditions. Algorithms developed to predict the effect of missense changes on protein structure and function are either unavailable or do not agree on the potential impact of this missense change (SIFT: "Deleterious"; PolyPhen-2: "Probably Damaging"; Align-GVGD: "Class C0"). In summary, the available evidence is currently insufficient to determine the role of this variant in disease. Therefore, it has been classified as a Variant of Uncertain Significance.

NM_206926.2(SELENON):c.1487C>T (p.Pro496Leu)

Gene: SELENON (selenoprotein N; plus strand). Cytogenetic location: 1p36.11.
Variant type: single nucleotide variant.
Coding change: c.1487C>T on transcript NM_206926.2 (MANE Select); coding-DNA position 1487, C replaced by T.
Protein change: p.Pro496Leu; replaces proline 496 with leucine.
Molecular consequence: missense variant.
Genome position (GRCh38, 1-based): chr1:25,814,165, C>T. VCF-style: chr1-25814165-C-T. GRCh37 (hg19) VCF-style: chr1-26140656-C-T.
Other names: c.1589C>T, p.Pro530Leu (NM_020451.3); short protein forms P496L, P530L.
Identifiers: ClinVar variation 1520538 (VCV001520538.6), dbSNP rs1209522007, ClinGen allele CA339120076.